The following is an entry in ClinVar:

NM_030653.4(DDX11):c.1179C>G (p.Asp393Glu)

Gene: DDX11 (DEAD/H-box helicase 11; plus strand). Cytogenetic location: 12p11.21.
Variant type: single nucleotide variant.
Coding change: c.1179C>G on transcript NM_030653.4 (MANE Select); coding-DNA position 1179, C replaced by G.
Protein change: p.Asp393Glu; replaces aspartic acid 393 with glutamic acid.
Molecular consequence: missense variant. On other transcripts: non-coding transcript variant (4).
Genome position (GRCh38, 1-based): chr12:31,091,808, C>G. VCF-style: chr12-31091808-C-G. GRCh37 (hg19) VCF-style: chr12-31244742-C-G.
Other names: c.1179C>G, p.Asp393Glu (NM_001257144.2, NM_001413692.1, NM_001413693.1 and 5 more transcripts); c.1101C>G, p.Asp367Glu (NM_001257145.2, NM_001413697.1, NM_001413698.1 and 1 more transcripts); c.1092C>G, p.Asp364Glu (NM_001413700.1); c.651C>G, p.Asp217Glu (NM_001413702.1, NM_001413703.1); c.318C>G, p.Asp106Glu (NM_001413704.1, NM_001413705.1); c.213C>G, p.Asp71Glu (NM_001413706.1); short protein forms D106E, D217E, D364E, D367E, D393E, D71E.
Identifiers: ClinVar variation 4531396 (VCV004531396.1).

ClinVar aggregate classification (germline): Uncertain significance (1 of 4 stars; one submission).

Conditions:
Warsaw breakage syndrome (WABS). Also called: DDX11-Related Cohesinopathy. Identifiers: Orphanet 280558, MedGen C3150658, MONDO:0013252, OMIM 613398.

Submission:

Victorian Clinical Genetics Services, Murdoch Childrens Research Institute
Classification: Uncertain significance for Warsaw breakage syndrome. Last evaluated: 2025-11-11. Review status: criteria provided, single submitter. Criteria: ACMG Guidelines, 2015. Collection method: clinical testing. Allele origin: germline. Affected: yes.
Comment: This variant is classified as VUS-3B. Evidence in support of pathogenic classification: Variant is present in gnomAD <0.01 for a recessive condition (v4: 2 heterozygote(s), 0 homozygote(s)). In addition, an alternate nucleotide change resulting in the same amino acid change is present in gnomAD (v4: 3 heterozygote(s), 0 homozygote(s)); Variant is located in the well-established functional motif (DEAH box within the DEAD_2 domain; UniProt, DECIPHER). The DEAH box motif is present in the RNA helicase protein family, which includes DDX11. This motif has been shown to be essential for DNA binding in homologous proteins (PMID: 20696886). Additional information: Variant is predicted to result in a missense amino acid change from Asp to Glu; This variant is heterozygous; This gene is associated with autosomal recessive disease; Alternative amino acid change(s) at the same position are present in gnomAD (Highest allele count: v4: 3 heterozygote(s), 0 homozygote(s)); This variant has no previous evidence of pathogenicity; No published evidence of segregation with disease has been identified for this variant; No published functional evidence has been identified for this variant; Another missense variant(s) comparable to the one identified in this case has inconclusive previous evidence for pathogenicity. p.(Asp393Asn) has been classified as a VUS by a clinical laboratory in ClinVar; Missense variant with inconclusive in silico prediction and/or uninformative conservation; Loss of function is a known mechanism of disease in this gene and is associated with Warsaw breakage syndrome (MIM#613398); Inheritance information for this variant is not currently available in this individual.

Literature cited by the submitters: PubMed 20696886.